The following is an entry in ClinVar:

ClinVar aggregate classification (germline): Uncertain significance. Review status: criteria provided, multiple submitters, no conflicts (2 of 4 stars). 3 submissions from 3 submitters: Uncertain significance (3). Last evaluated 2024-12-22.

Conditions:
Fanconi anemia (FA). Also called: Fanconi's anemia. Identifiers: Orphanet 84, MedGen C0015625, MeSH D005199, MONDO:0019391.
Inborn genetic diseases. Identifiers: MedGen C0950123, MeSH D030342.

Allele frequency attached by ClinVar (database versions not stated): TOPMed 0.00002.

Submissions (3):

Labcorp Genetics (formerly Invitae), Labcorp
Classification: Uncertain significance for Fanconi anemia. Last evaluated: 2024-12-22. Review status: criteria provided, single submitter. Criteria: Invitae Variant Classification Sherloc (09022015). Collection method: clinical testing. Allele origin: germline.
Comment: This sequence change replaces proline, which is neutral and non-polar, with serine, which is neutral and polar, at codon 482 of the FANCA protein (p.Pro482Ser). This variant is present in population databases (no rsID available, gnomAD 0.009%). This variant has not been reported in the literature in individuals affected with FANCA-related conditions. ClinVar contains an entry for this variant (Variation ID: 1957302). Invitae Evidence Modeling of protein sequence and biophysical properties (such as structural, functional, and spatial information, amino acid conservation, physicochemical variation, residue mobility, and thermodynamic stability) indicates that this missense variant is expected to disrupt FANCA protein function with a positive predictive value of 95%. In summary, the available evidence is currently insufficient to determine the role of this variant in disease. Therefore, it has been classified as a Variant of Uncertain Significance.

Ambry Genetics
Classification: Uncertain significance for Inborn genetic diseases. Last evaluated: 2024-12-13. Review status: criteria provided, single submitter. Criteria: Ambry Variant Classification Scheme 2023. Collection method: clinical testing. Allele origin: germline.
Comment: The p.P482S variant (also known as c.1444C>T), located in coding exon 15 of the FANCA gene, results from a C to T substitution at nucleotide position 1444. The proline at codon 482 is replaced by serine, an amino acid with similar properties. This amino acid position is conserved. In addition, this alteration is predicted to be deleterious by in silico analysis. Based on the available evidence, the clinical significance of this variant remains unclear.

Quest Diagnostics Nichols Institute San Juan Capistrano
Classification: Uncertain significance. Last evaluated: 2023-08-02. Review status: criteria provided, single submitter. Criteria: Quest Diagnostics criteria. Collection method: clinical testing. Allele origin: unknown.
Comment: This variant has not been reported in the published literature. The frequency of this variant in the general population, 0.000087 (3/34592 chromosomes (Genome Aggregation Database)), is uninformative in the assessment of its pathogenicity. Analysis of this variant using bioinformatics tools for the prediction of the effect of amino acid changes on protein structure and function yielded conflicting predictions that this variant is benign or damaging. Based on the available information, we are unable to determine the clinical significance of this variant.

NM_000135.4(FANCA):c.1444C>T (p.Pro482Ser)

Gene: FANCA (FA complementation group A; minus strand). Cytogenetic location: 16q24.3.
Variant type: single nucleotide variant.
Coding change: c.1444C>T on transcript NM_000135.4 (MANE Select); coding-DNA position 1444, C replaced by T.
Protein change: p.Pro482Ser; replaces proline 482 with serine.
Molecular consequence: missense variant.
Genome position (GRCh38, 1-based): chr16:89,784,880, G>A on the plus strand (C>T on the coding strand, the complement: FANCA is on the minus strand). VCF-style: chr16-89784880-G-A. GRCh37 (hg19) VCF-style: chr16-89851288-G-A.
Other names: c.1444C>T, p.Pro482Ser (NM_001286167.3); c.1444C>T (NM_000135.3); short protein forms P482S.
Identifiers: ClinVar variation 1957302 (VCV001957302.6), dbSNP rs1470873996, ClinGen allele CA397459723.
Genomic context (GRCh38, chr16:89,784,880, plus strand): 5'-CCAGAAATCATGGATGTGGCAGCCAGCTTCTCACCTGCAGGTACCGGGGAGACTCAAAAG[G>A]CACGAGTTCTGACAAGAACGTAAACAGGAAGACCAGGGCCTTCTTGCTGCAGCCATGGTA-3'
Protein context (NP_000126.2, residues 472-492): FLFTFLSELV[Pro482Ser]FESPRYLQVH